The following is an entry in ClinVar:

ClinVar aggregate classification (germline): Likely pathogenic (1 of 4 stars; one submission).

Conditions:
Short-rib thoracic dysplasia 11 with or without polydactyly (SRTD11). Also called: SHORT-RIB THORACIC DYSPLASIA 11 WITHOUT POLYDACTYLY. Identifiers: Orphanet 474, Orphanet 93271, MedGen C3810200, MONDO:0014287, OMIM 615633.

gnomAD v4.1: 1 of 1,612,524 alleles (0.000062%); highest among the groups gnomAD compares: East Asian, 0.0022%; no homozygotes.

Submission:

Centre for Medical Genetics,  Mumbai
Classification: Likely pathogenic for Short-rib thoracic dysplasia 11 with or without polydactyly. Last evaluated: 2026-01-08. Review status: criteria provided, single submitter. Criteria: ACMG Guidelines, 2015. Collection method: provider interpretation. Allele origin: germline. Inheritance: Autosomal recessive inheritance. Affected: yes. Observed: 1 variant allele, 1 homozygote.
Comment: The variant satisfies the following ACMG criteria: PM2 - extremely low frequency in gnomAD population databases, PP3 - computational prediction tools unanimously support a deleterious effect on the gene, PP4 - patient’s phenotype or family history is highly specific for a disease with a single genetic etiology

Literature cited by the submitters: PubMed 24183449.

NM_052844.4(DYNC2I2):c.776G>T (p.Gly259Val)

Genes: DYNC2I2 (dynein 2 intermediate chain 2; minus strand), LOC126860772 (CDK7 strongly-dependent group 2 enhancer GRCh37_chr9:131396972-131398171; plus strand). Cytogenetic location: 9q34.11.
Variant type: single nucleotide variant.
Coding change: c.776G>T on transcript NM_052844.4 (MANE Select); coding-DNA position 776, G replaced by T.
Protein change: p.Gly259Val; replaces glycine 259 with valine.
Molecular consequence: missense variant.
Genome position (GRCh38, 1-based): chr9:128,635,695, C>A on the plus strand (G>T on the coding strand, the complement: DYNC2I2 is on the minus strand). VCF-style: chr9-128635695-C-A. GRCh37 (hg19) VCF-style: chr9-131397974-C-A.
Other names: short protein forms G259V.
Identifiers: ClinVar variation 4851370 (VCV004851370.1).